The following is an entry in ClinVar:

ClinVar aggregate classification (germline): Uncertain significance (1 of 4 stars; one submission).

Conditions:
Early-infantile DEE. Also called: Early infantile epileptic encephalopathy; Early infantile epileptic encephalopathy with suppression bursts; Ohtahara syndrome. Identifiers: Orphanet 1934, MedGen C0393706, MONDO:0800491.

Allele frequency attached by ClinVar (database versions not stated): gnomAD exomes below 0.00001.
gnomAD v4.1: 1 of 1,614,176 alleles (0.000062%); highest among the groups gnomAD compares: Non-Finnish European, 0.000085%; no homozygotes.

Submission:

Labcorp Genetics (formerly Invitae), Labcorp
Classification: Uncertain significance for Early-infantile DEE. Last evaluated: 2022-10-17. Review status: criteria provided, single submitter. Criteria: Invitae Variant Classification Sherloc (09022015). Collection method: clinical testing. Allele origin: germline.
Comment: In summary, the available evidence is currently insufficient to determine the role of this variant in disease. Therefore, it has been classified as a Variant of Uncertain Significance. Advanced modeling of protein sequence and biophysical properties (such as structural, functional, and spatial information, amino acid conservation, physicochemical variation, residue mobility, and thermodynamic stability) has been performed at Invitae for this missense variant, however the output from this modeling did not meet the statistical confidence thresholds required to predict the impact of this variant on SPTAN1 protein function. This variant has not been reported in the literature in individuals affected with SPTAN1-related conditions. This variant is not present in population databases (gnomAD no frequency). This sequence change replaces glycine, which is neutral and non-polar, with cysteine, which is neutral and slightly polar, at codon 1293 of the SPTAN1 protein (p.Gly1293Cys).

NM_001130438.3(SPTAN1):c.3877G>T (p.Gly1293Cys)

Gene: SPTAN1 (spectrin alpha, non-erythrocytic 1; plus strand). Cytogenetic location: 9q34.11.
Variant type: single nucleotide variant.
Coding change: c.3877G>T on transcript NM_001130438.3 (MANE Select); coding-DNA position 3877, G replaced by T.
Protein change: p.Gly1293Cys; replaces glycine 1293 with cysteine.
Molecular consequence: missense variant.
Genome position (GRCh38, 1-based): chr9:128,605,308, G>T. VCF-style: chr9-128605308-G-T. GRCh37 (hg19) VCF-style: chr9-131367587-G-T.
Other names: c.3817G>T, p.Gly1273Cys (NM_001195532.2, NM_001363765.2, NM_001375314.2); c.3877G>T, p.Gly1293Cys (NM_001363759.2, NM_001375310.1, NM_001375311.2 and 2 more transcripts); c.3913G>T, p.Gly1305Cys (NM_001375312.2, NM_001375318.1); short protein forms G1273C, G1293C, G1305C.
Identifiers: ClinVar variation 2422021 (VCV002422021.6), dbSNP rs2541684751, ClinGen allele CA375065084.